The following is an entry in ClinVar:

ClinVar aggregate classification (germline): Uncertain significance (1 of 4 stars; one submission).

Conditions:
Atypical hemolytic-uremic syndrome. Identifiers: Orphanet 2134, MedGen C2931788, MONDO:0016244.

Submission:

Genomenon, Inc
Classification: Uncertain significance for Atypical hemolytic-uremic syndrome. Last evaluated: 2025-09-30. Review status: criteria provided, single submitter. Criteria: Genomenon Sequence Variant Interpretation Standards. Collection method: curation. Allele origin: germline. Affected: yes.
Comment: C3 p.Ala1094Ser (c.3280G>T) is a missense variant that changes the amino acid at residue 1094 from Alanine to Serine. This variant has been observed in at least one proband affected with atypical hemolytic-uremic syndrome (PMID:23307876). The presence of pathogenic missense variant(s) at the same amino acid position indicates that this residue is likely important for protein function. It is absent or not present at a significant frequency in gnomAD. In silico models agree that this variant is not damaging. In conclusion, we classify C3 p.Ala1094Ser (c.3280G>T) as a variant of unknown significance.

Literature cited by the submitters: PubMed 23307876.

NM_000064.4(C3):c.3280G>T (p.Ala1094Ser)

Gene: C3 (complement C3; minus strand). Cytogenetic location: 19p13.3.
Variant type: single nucleotide variant.
Coding change: c.3280G>T on transcript NM_000064.4 (MANE Select); coding-DNA position 3280, G replaced by T.
Protein change: p.Ala1094Ser; replaces alanine 1094 with serine.
Molecular consequence: missense variant.
Genome position (GRCh38, 1-based): chr19:6,693,034, C>A on the plus strand (G>T on the coding strand, the complement: C3 is on the minus strand). VCF-style: chr19-6693034-C-A. GRCh37 (hg19) VCF-style: chr19-6693045-C-A.
Other names: short protein forms A1094S.
Identifiers: ClinVar variation 4280194 (VCV004280194.1).
Genomic context (GRCh38, chr19:6,693,034, plus strand): 5'-GCTTCTGCTTCTCCAGGATCAGCCATTTAACAGCCCCGCAGAGGACTTGGGAGTCGATGG[C>A]GATGAGGTTGACAGCCAGAGAGAAGACCTTGACCACGTAGGCGGTCAGCCTGGAGTGGGC-3'
Protein context (NP_000055.2, residues 1084-1104): KVFSLAVNLI[Ala1094Ser]IDSQVLCGAV